The following is an entry in ClinVar:

NC_000002.11:g.(?_215609781)_(215617289_?)dup

Gene: BARD1 (BRCA1 associated RING domain 1; minus strand). Cytogenetic location: 2q35.
Variant type: Duplication.
Identifiers: ClinVar variation 1522967 (VCV001522967.4).

ClinVar aggregate classification (germline): Likely pathogenic (1 of 4 stars; one submission).

Conditions:
Familial cancer of breast. Also called: hereditary breast carcinoma; BREAST CANCER, FAMILIAL; Hereditary breast cancer. Identifiers: Orphanet 227535, MedGen C0346153, MONDO:0016419, OMIM 114480. Disease mechanism: loss of function.

Submission:

Labcorp Genetics (formerly Invitae), Labcorp
Classification: Likely pathogenic for Familial cancer of breast. Last evaluated: 2021-03-20. Review status: criteria provided, single submitter. Criteria: Invitae Variant Classification Sherloc (09022015). Collection method: clinical testing. Allele origin: germline.
Comment: This variant results in a copy number gain of the genomic region encompassing exon(s) 7-9 of the BARD1 gene. While the exact position of this variant cannot be determined from the data, sub-genic copy number gains are generally in tandem (PMID: 25640679). This variant is predicted to be out-of-frame, and may result in an absent or disrupted protein product. Loss-of-function variants in BARD1 are known to be pathogenic (PMID: 20077502, 21344236). This variant has not been reported in the literature in individuals with BARD1-related conditions. In summary, the currently available evidence indicates that the variant is pathogenic, but additional data are needed to prove that conclusively. Therefore, this variant has been classified as Likely Pathogenic.

Literature cited by the submitters: PubMed 25640679; PubMed 20077502; PubMed 21344236.